The following is an entry in ClinVar:

NM_001370466.1(NOD2):c.*1023C>T

Genes: NOD2 (nucleotide binding oligomerization domain containing 2; plus strand), CYLD-AS1 (CYLD antisense RNA 1; minus strand). Cytogenetic location: 16q12.1.
Variant type: single nucleotide variant.
Coding change: c.*1023C>T on transcript NM_001370466.1 (MANE Select); 1023 bases downstream of the stop codon, C replaced by T.
Molecular consequence: 3 prime UTR variant. On other transcripts: non-coding transcript variant (1).
Genome position (GRCh38, 1-based): chr16:50,732,842, C>T. VCF-style: chr16-50732842-C-T. GRCh37 (hg19) VCF-style: chr16-50766753-C-T.
Other names: c.*1023C>T (LRG_177t1, NM_001293557.2, NM_022162.3).
Identifiers: ClinVar variation 319491 (VCV000319491.7), dbSNP rs5743299, ClinGen allele CA10647617.

ClinVar aggregate classification (germline): Benign/Likely benign. Review status: criteria provided, single submitter (1 of 4 stars). 2 submissions from 1 submitter: Benign (1); Likely benign (1). Last evaluated 2018-01-13.

Conditions:
Inflammatory bowel disease 1 (IBD1). Also called: Inflammatory bowel disease 1, Crohn disease; INFLAMMATORY BOWEL DISEASE (CROHN DISEASE) 1. Identifiers: MedGen CN260071, MONDO:0009960, OMIM 266600.
Blau syndrome (BLAUS). Also called: ARTHROCUTANEOUVEAL GRANULOMATOSIS; GRANULOMATOSIS, FAMILIAL JUVENILE SYSTEMIC; GRANULOMATOSIS, FAMILIAL, BLAU TYPE; GRANULOMATOUS INFLAMMATORY ARTHRITIS, DERMATITIS, AND UVEITIS, FAMILIAL; JABS SYNDROME. Identifiers: Orphanet 90340, MedGen C5201146, MONDO:0008523, OMIM 186580.

Allele frequency attached by ClinVar (database versions not stated): gnomAD 0.00019; TOPMed 0.00021; 1000 Genomes Project 0.00060; 1000 Genomes Project 30x 0.00062.

Submissions (2):

Illumina Laboratory Services, Illumina
Classification: Likely benign for Inflammatory bowel disease 1. Last evaluated: 2018-01-13. Review status: criteria provided, single submitter. Criteria: ICSL Variant Classification Criteria 13 December 2019. Collection method: clinical testing. Allele origin: germline.
Comment: This variant was observed in the ICSL laboratory as part of a predisposition screen in an ostensibly healthy population. It had not been previously curated by ICSL or reported in the Human Gene Mutation Database (HGMD: prior to June 1st, 2018), and was therefore a candidate for classification through an automated scoring system. Utilizing variant allele frequency, disease prevalence and penetrance estimates, and inheritance mode, an automated score was calculated to assess if this variant is too frequent to cause the disease. Based on the score and internal cut-off values, a variant classified as likely benign is not then subjected to further curation. The score for this variant resulted in a classification of likely benign for this disease.

Illumina Laboratory Services, Illumina
Classification: Benign for Blau syndrome. Last evaluated: 2018-01-13. Review status: criteria provided, single submitter. Criteria: ICSL Variant Classification Criteria 13 December 2019. Collection method: clinical testing. Allele origin: germline.
Comment: This variant was observed in the ICSL laboratory as part of a predisposition screen in an ostensibly healthy population. It had not been previously curated by ICSL or reported in the Human Gene Mutation Database (HGMD: prior to June 1st, 2018), and was therefore a candidate for classification through an automated scoring system. Utilizing variant allele frequency, disease prevalence and penetrance estimates, and inheritance mode, an automated score was calculated to assess if this variant is too frequent to cause the disease. Based on the score and internal cut-off values, a variant classified as benign is not then subjected to further curation. The score for this variant resulted in a classification of benign for this disease.